The following is an entry in ClinVar:

NM_000038.6(APC):c.1391dup (p.His464fs)

Gene: APC (APC regulator of Wnt signaling pathway; plus strand). Cytogenetic location: 5q22.2.
Variant type: Duplication.
Coding change: c.1391dup on transcript NM_000038.6 (MANE Select); coding-DNA position 1391, one base duplicated (A; older notation c.1391dupA).
Protein change: p.His464fs; shifts the reading frame from histidine 464.
Molecular consequence: frameshift variant.
Genome position (GRCh38, 1-based): chr5:112,821,974, A duplicated. VCF-style (leftmost placement, unchanged base first): chr5-112821973-C-CA. GRCh37 (hg19) VCF-style: chr5-112157670-C-CA.
Other names: c.1391dup, p.His464fs (NM_001127510.3, NM_001354895.2, NM_001354896.2); c.1337dup, p.His446fs (NM_001127511.3); c.1421dup, p.His474fs (NM_001354897.2); c.1316dup, p.His439fs (NM_001354898.2); c.1307dup, p.His436fs (NM_001354899.2); c.1214dup, p.His405fs (NM_001354900.2, NM_001354901.2); c.1118dup, p.His373fs (NM_001354902.2); c.1088dup, p.His363fs (NM_001354903.2); and 4 more; short protein forms H304fs, H439fs, H363fs, H373fs, H436fs, H446fs, H464fs, H181fs.
Identifiers: ClinVar variation 933500 (VCV000933500.11), dbSNP rs1763188622, ClinGen allele CA1139658993.
Genomic context (GRCh38, chr5:112,821,973, plus strand): 5'-CATCAGATCTGTCCTGCTGTGTGTGTTCTAATGAAACTTTCATTTGATGAAGAGCATAGA[C>CA]ATGCAATGAATGAACTAGGTAAGACAAAAATGTTTTTTAATGACATAGACAATTACTGGT-3'

ClinVar aggregate classification (germline): Pathogenic. Review status: criteria provided, multiple submitters, no conflicts (2 of 4 stars). 2 submissions from 2 submitters: Pathogenic (2). Last evaluated 2024-04-29.

Conditions:
Familial adenomatous polyposis 1 (FAP1). Also called: POLYPOSIS, ADENOMATOUS INTESTINAL; FAMILIAL ADENOMATOUS POLYPOSIS 1, ATTENUATED. Identifiers: MedGen C2713442, MONDO:0021056, OMIM 175100. Disease mechanism: loss of function.

Submissions (2):

Labcorp Genetics (formerly Invitae), Labcorp
Classification: Pathogenic for Familial adenomatous polyposis 1. Last evaluated: 2024-04-29. Review status: criteria provided, single submitter. Criteria: Invitae Variant Classification Sherloc (09022015). Collection method: clinical testing. Allele origin: germline.
Comment: This sequence change creates a premature translational stop signal (p.His464Glnfs*5) in the APC gene. It is expected to result in an absent or disrupted protein product. Loss-of-function variants in APC are known to be pathogenic (PMID: 17963004, 20685668). This variant is not present in population databases (gnomAD no frequency). This variant has not been reported in the literature in individuals affected with APC-related conditions. ClinVar contains an entry for this variant (Variation ID: 933500). For these reasons, this variant has been classified as Pathogenic.

National Molecular Genetics Centre of Cancer Research, N.N. Alexandrov National Cancer Centre of Belarus
Classification: Pathogenic for Familial adenomatous polyposis 1. Last evaluated: 2023-07-12. Review status: criteria provided, single submitter. Criteria: ACMG Guidelines, 2015. Collection method: clinical testing. Allele origin: germline. Inheritance: Autosomal dominant inheritance. Affected: yes.

Literature cited by the submitters: PubMed 17963004 (cited by Labcorp Genetics (formerly Invitae), Labcorp); PubMed 20685668 (cited by Labcorp Genetics (formerly Invitae), Labcorp).